The following is an entry in ClinVar:

ClinVar aggregate classification (germline): Uncertain significance (1 of 4 stars; one submission).

Conditions:
Neuroblastoma, susceptibility to, 3. Also called: ALK-Related Neuroblastic Tumor Susceptibility. Identifiers: Orphanet 635, MedGen C2751681, MONDO:0013083, OMIM 613014.

Submission:

Labcorp Genetics (formerly Invitae), Labcorp
Classification: Uncertain significance for Neuroblastoma, susceptibility to, 3. Last evaluated: 2024-08-21. Review status: criteria provided, single submitter. Criteria: Invitae Variant Classification Sherloc (09022015). Collection method: clinical testing. Allele origin: germline.
Comment: This sequence change replaces serine, which is neutral and polar, with cysteine, which is neutral and slightly polar, at codon 1560 of the ALK protein (p.Ser1560Cys). This variant is not present in population databases (gnomAD no frequency). This variant has not been reported in the literature in individuals affected with ALK-related conditions. An algorithm developed to predict the effect of missense changes on protein structure and function (PolyPhen-2) suggests that this variant is likely to be disruptive. In summary, the available evidence is currently insufficient to determine the role of this variant in disease. Therefore, it has been classified as a Variant of Uncertain Significance.

NM_004304.5(ALK):c.4679C>G (p.Ser1560Cys)

Gene: ALK (ALK receptor tyrosine kinase; minus strand). Cytogenetic location: 2p23.2.
Variant type: single nucleotide variant.
Coding change: c.4679C>G on transcript NM_004304.5 (MANE Select); coding-DNA position 4679, C replaced by G.
Protein change: p.Ser1560Cys; replaces serine 1560 with cysteine.
Molecular consequence: missense variant.
Genome position (GRCh38, 1-based): chr2:29,193,408, G>C on the plus strand (C>G on the coding strand, the complement: ALK is on the minus strand). VCF-style: chr2-29193408-G-C. GRCh37 (hg19) VCF-style: chr2-29416274-G-C.
Other names: c.1475C>G, p.Ser492Cys (NM_001353765.2); short protein forms S492C, S1560C.
Identifiers: ClinVar variation 3663216 (VCV003663216.2).